The following is an entry in ClinVar:

ClinVar aggregate classification (germline): Uncertain significance (1 of 4 stars; one submission).

Conditions:
MYH3-related disorder. Also called: MYH3-Related Disorders; MYH3-related condition. Identifiers: MedGen CN239329.

Submission:

PreventionGenetics, part of Exact Sciences
Classification: Uncertain significance for MYH3-related condition. Last evaluated: 2025-07-24. Review status: criteria provided, single submitter. Criteria: ACMG Guidelines, 2015. Collection method: clinical testing. Allele origin: germline.
Comment: The MYH3 c.2910T>G variant is predicted to result in the amino acid substitution p.His970Gln. To our knowledge, this variant has not been reported in the literature or in a large population database (gnomAD), indicating this variant is rare. At this time, the clinical significance of this variant is uncertain due to the absence of conclusive functional and genetic evidence.

NM_002470.4(MYH3):c.2910T>G (p.His970Gln)

Gene: MYH3 (myosin heavy chain 3; minus strand). Cytogenetic location: 17p13.1.
Variant type: single nucleotide variant.
Coding change: c.2910T>G on transcript NM_002470.4 (MANE Select); coding-DNA position 2910, T replaced by G.
Protein change: p.His970Gln; replaces histidine 970 with glutamine.
Molecular consequence: missense variant.
Genome position (GRCh38, 1-based): chr17:10,639,575, A>C on the plus strand (T>G on the coding strand, the complement: MYH3 is on the minus strand). VCF-style: chr17-10639575-A-C. GRCh37 (hg19) VCF-style: chr17-10542892-A-C.
Other names: short protein forms H970Q.
Identifiers: ClinVar variation 4999604 (VCV004999604.1).
Genomic context (GRCh38, chr17:10,639,575, plus strand): 5'-TTTGCAATGACTATATCAAGCTAGACACACCTACAATAAGAATACCTTGTTCTCTGTGGC[A>C]TGCTTCTCCTTCTCAACCTTGGCCAGGGTCAACTCAAGGTCATCAATGTCTTTCTTGAGC-3'
Protein context (NP_002461.2, residues 960-980): LTLAKVEKEK[His970Gln]ATENKVKNLT